The following is an entry in ClinVar:

ClinVar aggregate classification (germline): Uncertain significance (1 of 4 stars; one submission).

Conditions:
Intellectual developmental disorder 62. Also called: MENTAL RETARDATION, AUTOSOMAL DOMINANT 62; INTELLECTUAL DEVELOPMENTAL DISORDER, AUTOSOMAL DOMINANT 62. Identifiers: MedGen C5394083, MONDO:0032919, OMIM 618793.

Submission:

Institute of Human Genetics, University of Leipzig Medical Center
Classification: Uncertain significance for Intellectual developmental disorder 62. Last evaluated: 2025-12-05. Review status: criteria provided, single submitter. Criteria: ACMG Guidelines, 2015. Collection method: clinical testing. Allele origin: unknown. Inheritance: Autosomal dominant inheritance. Affected: yes.
Comment: Criteria applied: PM2,PM1_SUP,PP2

NM_001321075.3(DLG4):c.1693C>G (p.His565Asp)

Gene: DLG4 (discs large MAGUK scaffold protein 4; minus strand). Cytogenetic location: 17p13.1.
Variant type: single nucleotide variant.
Coding change: c.1693C>G on transcript NM_001321075.3 (MANE Select); coding-DNA position 1693, C replaced by G.
Protein change: p.His565Asp; replaces histidine 565 with aspartic acid.
Molecular consequence: missense variant. On other transcripts: non-coding transcript variant (1).
Genome position (GRCh38, 1-based): chr17:7,193,483, G>C on the plus strand (C>G on the coding strand, the complement: DLG4 is on the minus strand). VCF-style: chr17-7193483-G-C. GRCh37 (hg19) VCF-style: chr17-7096802-G-C.
Other names: c.1684C>G, p.His562Asp (NM_001128827.4); c.1813C>G, p.His605Asp (NM_001321074.1); c.1513C>G, p.His505Asp (NM_001321076.3, NM_001321077.3); c.1822C>G, p.His608Asp (NM_001365.5); c.1612C>G, p.His538Asp (NM_001369566.3); short protein forms H505D, H538D, H562D, H565D, H605D, H608D.
Identifiers: ClinVar variation 4683095 (VCV004683095.1).